The following is an entry in ClinVar:

NM_001195.5(BFSP1):c.881A>G (p.Gln294Arg)

Gene: BFSP1 (beaded filament structural protein 1; minus strand). Cytogenetic location: 20p12.1.
Variant type: single nucleotide variant.
Coding change: c.881A>G on transcript NM_001195.5 (MANE Select); coding-DNA position 881, A replaced by G.
Protein change: p.Gln294Arg; replaces glutamine 294 with arginine.
Molecular consequence: missense variant.
Genome position (GRCh38, 1-based): chr20:17,498,895, T>C on the plus strand (A>G on the coding strand, the complement: BFSP1 is on the minus strand). VCF-style: chr20-17498895-T-C. GRCh37 (hg19) VCF-style: chr20-17479540-T-C.
Other names: c.506A>G, p.Gln169Arg (NM_001161705.2); c.464A>G, p.Gln155Arg (NM_001278606.2, NM_001278608.2); c.548A>G, p.Gln183Arg (NM_001278607.2); c.773A>G, p.Gln258Arg (NM_001424338.1); short protein forms Q294R, Q169R, Q183R, Q155R, Q258R.
Identifiers: ClinVar variation 3991352 (VCV003991352.2).

ClinVar aggregate classification (germline): Uncertain significance. Review status: criteria provided, multiple submitters, no conflicts (2 of 4 stars). 2 submissions from 2 submitters: Uncertain significance (2). Last evaluated 2025-05-19.

Conditions:
Inborn genetic diseases. Identifiers: MedGen C0950123, MeSH D030342.
Cataract 33. Also called: CATARACT 33, CORTICAL. Identifiers: Orphanet 91492, MedGen C3808107, MONDO:0012665, OMIM 611391.

Submissions (2):

Ambry Genetics
Classification: Uncertain significance for Inborn genetic diseases. Last evaluated: 2025-05-19. Review status: criteria provided, single submitter. Criteria: Ambry Variant Classification Scheme 2023. Collection method: clinical testing. Allele origin: germline.

Labcorp Genetics (formerly Invitae), Labcorp
Classification: Uncertain significance for Cataract 33. Last evaluated: 2025-02-10. Review status: criteria provided, single submitter. Criteria: Invitae Variant Classification Sherloc (09022015). Collection method: clinical testing. Allele origin: germline.
Comment: This sequence change replaces glutamine, which is neutral and polar, with arginine, which is basic and polar, at codon 294 of the BFSP1 protein (p.Gln294Arg). This variant is present in population databases (no rsID available, gnomAD 0.0009%). This variant has not been reported in the literature in individuals affected with BFSP1-related conditions. Invitae Evidence Modeling of protein sequence and biophysical properties (such as structural, functional, and spatial information, amino acid conservation, physicochemical variation, residue mobility, and thermodynamic stability) has been performed for this missense variant. However, the output from this modeling did not meet the statistical confidence thresholds required to predict the impact of this variant on BFSP1 protein function. In summary, the available evidence is currently insufficient to determine the role of this variant in disease. Therefore, it has been classified as a Variant of Uncertain Significance.